The following is an entry in ClinVar:

NM_001005242.3(PKP2):c.1557-14G>T

Gene: PKP2 (plakophilin 2; minus strand). Cytogenetic location: 12p11.21.
Variant type: single nucleotide variant.
Coding change: c.1557-14G>T on transcript NM_001005242.3 (MANE Select); 14 bases into the intron before coding-DNA position 1557, G replaced by T.
Molecular consequence: intron variant.
Genome position (GRCh38, 1-based): chr12:32,824,176, C>A on the plus strand (G>T on the coding strand, the complement: PKP2 is on the minus strand). VCF-style: chr12-32824176-C-A. GRCh37 (hg19) VCF-style: chr12-32977110-C-A.
Other names: c.1689-14G>T (NM_004572.4).
Identifiers: ClinVar variation 1171205 (VCV001171205.7), dbSNP rs748072057, ClinGen allele CA030219.

ClinVar aggregate classification (germline): Conflicting classifications of pathogenicity. Review status: criteria provided, conflicting classifications (1 of 4 stars). 4 submissions from 4 submitters: Uncertain significance (1); Likely benign (3). Last evaluated 2024-12-05.

Conditions:
Arrhythmogenic right ventricular cardiomyopathy (ARVD). Also called: Cardiomyopathy, ARVC; Arrhythmogenic right ventricular dysplasia; Arrhythmogenic cardiomyopathy; Arrhythmogenic Right Ventricular Cardiomyopathy (ARVC). Identifiers: Orphanet 247, MedGen C0349788, MeSH D019571, MONDO:0016587. Disease mechanism: loss of function. Inheritance: Various modes of inheritance.
Cardiomyopathy (CMYO). Also called: Cardiomyopathies. Identifiers: Orphanet 167848, MedGen C0878544, MONDO:0004994, HP:0001638. Inheritance: Various modes of inheritance.
Arrhythmogenic right ventricular dysplasia 9 (ARVD9). Also called: Arrhythmogenic Right Ventricular Dysplasia/Cardiomyopathy 9; ARRHYTHMOGENIC RIGHT VENTRICULAR DYSPLASIA, FAMILIAL, 9. Identifiers: MedGen C1836906, MONDO:0012180, OMIM 609040.

Allele frequency attached by ClinVar (database versions not stated): gnomAD exomes 0.00002 and 0.00001; ExAC 0.00002.

Submissions (4):

GeneDx
Classification: Uncertain significance. Last evaluated: 2024-12-05. Review status: criteria provided, single submitter. Criteria: GeneDx Variant Classification Process June 2021. Collection method: clinical testing. Allele origin: germline. Affected: yes.
Comment: Not observed at significant frequency in large population cohorts (gnomAD); In silico analysis indicates that this variant does not alter splicing; Has not been previously published as pathogenic or benign to our knowledge

Labcorp Genetics (formerly Invitae), Labcorp
Classification: Likely benign for Arrhythmogenic right ventricular dysplasia 9. Last evaluated: 2024-11-21. Review status: criteria provided, single submitter. Criteria: Invitae Variant Classification Sherloc (09022015). Collection method: clinical testing. Allele origin: germline.

All of Us Research Program, National Institutes of Health
Classification: Likely benign for Arrhythmogenic right ventricular cardiomyopathy. Last evaluated: 2023-03-23. Review status: criteria provided, single submitter. Criteria: ACMG Guidelines, 2015. Collection method: clinical testing. Allele origin: germline. Inheritance: Autosomal dominant inheritance. Observed: 1 variant allele, 1 heterozygote.
Comment: This study involves interpretation of variants in research participants for the purpose of population health screening. Participant phenotype was not available at the time of variant classification. Additional details can be found in publication PMID: 35346344, PMCID: PMC8962531

Color Diagnostics, LLC DBA Color Health
Classification: Likely benign for Cardiomyopathy. Last evaluated: 2020-09-15. Review status: criteria provided, single submitter. Criteria: ACMG Guidelines, 2015. Collection method: clinical testing. Allele origin: germline.